The following is an entry in ClinVar:

ClinVar aggregate classification (germline): Uncertain significance (1 of 4 stars; one submission).

gnomAD v4.1: 209 of 1,613,470 alleles (0.013%); highest among the groups gnomAD compares: Admixed American, 0.012%; no homozygotes.

Submission:

CeGaT Center for Human Genetics Tuebingen
Classification: Uncertain significance. Last evaluated: 2026-04-01. Review status: criteria provided, single submitter. Criteria: CeGaT Center For Human Genetics Tuebingen Variant Classification Criteria Version 2. Collection method: clinical testing. Allele origin: germline. Affected: yes. Observed: 1 variant allele.
Comment: EDEM3: PM2, PM3:Supporting

NM_025191.4(EDEM3):c.650G>A (p.Arg217Gln)

Gene: EDEM3 (ER degradation enhancing alpha-mannosidase like protein 3; minus strand). Cytogenetic location: 1q25.3.
Variant type: single nucleotide variant.
Coding change: c.650G>A on transcript NM_025191.4 (MANE Select); coding-DNA position 650, G replaced by A.
Protein change: p.Arg217Gln; replaces arginine 217 with glutamine.
Molecular consequence: missense variant. On other transcripts: non-coding transcript variant (1).
Genome position (GRCh38, 1-based): chr1:184,726,352, C>T on the plus strand (G>A on the coding strand, the complement: EDEM3 is on the minus strand). VCF-style: chr1-184726352-C-T. GRCh37 (hg19) VCF-style: chr1-184695486-C-T.
Other names: c.650G>A, p.Arg217Gln (NM_001319960.2); short protein forms R217Q.
Identifiers: ClinVar variation 4872697 (VCV004872697.2).